The following is an entry in ClinVar:

NM_000122.2(ERCC3):c.*29C>T

Gene: ERCC3 (ERCC excision repair 3, TFIIH core complex helicase subunit; minus strand). Cytogenetic location: 2q14.3.
Variant type: single nucleotide variant.
Coding change: c.*29C>T on transcript NM_000122.2 (MANE Select); 29 bases downstream of the stop codon, C replaced by T.
Molecular consequence: 3 prime UTR variant.
Genome position (GRCh38, 1-based): chr2:127,257,567, G>A on the plus strand (C>T on the coding strand, the complement: ERCC3 is on the minus strand). VCF-style: chr2-127257567-G-A. GRCh37 (hg19) VCF-style: chr2-128015143-G-A.
Other names: c.*29C>T (NM_001303416.2, NM_001303418.2).
Identifiers: ClinVar variation 331072 (VCV000331072.35), dbSNP rs4150523, ClinGen allele CA1857998.
Genomic context (GRCh38, chr2:127,257,567, plus strand): 5'-AAAGAGGTGGAAGGAAAATGTTATGCTGAAAATCCCTTTCCAACAAGGGTGCCAAGCGCC[G>A]GTCTTGAACGAAGTACCCTGCCTAAGCATCATTTCCTAAAGCGCTTGAAGAGCGGGTGTA-3'

ClinVar aggregate classification (germline): Benign/Likely benign. Review status: criteria provided, multiple submitters, no conflicts (2 of 4 stars). 4 submissions from 4 submitters: Benign (2); Likely benign (2). Last evaluated 2026-09-01.

Conditions:
Xeroderma pigmentosum group B. Also called: ERCC3-Related Xeroderma Pigmentosum; XP, GROUP B; XPB/CS; XERODERMA PIGMENTOSUM B/COCKAYNE SYNDROME. Identifiers: MedGen C0268136, MONDO:0012531, OMIM 610651.

Allele frequency attached by ClinVar (database versions not stated): ExAC 0.00691; TOPMed 0.00696; gnomAD 0.00699 and 0.00736; ESP Exome Variant Server 0.00969; 1000 Genomes Project 30x 0.00219; 1000 Genomes Project 0.00240; gnomAD exomes 0.00680.
gnomAD v4.1: 17,086 of 1,612,784 alleles (1.1%); highest among the groups gnomAD compares: Non-Finnish European, 1.3%; 109 homozygotes.

Submissions (4):

CeGaT Center for Human Genetics Tuebingen
Classification: Benign. Last evaluated: 2026-09-01. Review status: criteria provided, single submitter. Criteria: CeGaT Center For Human Genetics Tuebingen Variant Classification Criteria Version 2. Collection method: clinical testing. Allele origin: germline. Affected: yes. Observed: 63 variant alleles.
Comment: ERCC3: BS1, BS2

GeneDx
Classification: Likely benign. Last evaluated: 2019-04-04. Review status: criteria provided, single submitter. Criteria: GeneDx Variant Classification Process June 2021. Collection method: clinical testing. Allele origin: germline. Affected: yes.

Illumina Laboratory Services, Illumina
Classification: Benign for Xeroderma pigmentosum group B. Last evaluated: 2018-01-13. Review status: criteria provided, single submitter. Criteria: ICSL Variant Classification Criteria 13 December 2019. Collection method: clinical testing. Allele origin: germline.
Comment: This variant was observed in the ICSL laboratory as part of a predisposition screen in an ostensibly healthy population. It had not been previously curated by ICSL or reported in the Human Gene Mutation Database (HGMD: prior to June 1st, 2018), and was therefore a candidate for classification through an automated scoring system. Utilizing variant allele frequency, disease prevalence and penetrance estimates, and inheritance mode, an automated score was calculated to assess if this variant is too frequent to cause the disease. Based on the score and internal cut-off values, a variant classified as benign is not then subjected to further curation. The score for this variant resulted in a classification of benign for this disease.

Breakthrough Genomics
Classification: Likely benign. Review status: criteria provided, single submitter. Criteria: ACMG Guidelines, 2015. Collection method: not provided. Allele origin: germline. Inheritance: Autosomal recessive inheritance. Affected: yes.